The following is an entry in ClinVar:

NM_001356.5(DDX3X):c.398delinsTG (p.Glu133fs)

Gene: DDX3X (DEAD-box helicase 3 X-linked; plus strand). Cytogenetic location: Xp11.4.
Variant type: Indel.
Coding change: c.398delinsTG on transcript NM_001356.5 (MANE Select); coding-DNA position 398, A replaced by TG.
Protein change: p.Glu133fs; shifts the reading frame from glutamic acid 133.
Molecular consequence: frameshift variant. On other transcripts: 5 prime UTR variant (1), non-coding transcript variant (1).
Genome position (GRCh38, 1-based): chrX:41,342,608, A replaced by TG. VCF-style: chrX-41342608-A-TG. GRCh37 (hg19) VCF-style: chrX-41201861-A-TG.
Other names: c.398delinsTG, p.Glu133fs (NM_001193416.3); c.350delinsTG, p.Glu117fs (NM_001193417.3); c.-161delinsTG (NM_001363819.1); short protein forms E117fs, E133fs.
Identifiers: ClinVar variation 4759232 (VCV004759232.1).

ClinVar aggregate classification (germline): Pathogenic (1 of 4 stars; one submission).

Conditions:
Intellectual disability, X-linked 102 (MRXSSB). Also called: Intellectual developmental disorder, X-linked syndromic, Snijders Blok type. Identifiers: Orphanet 457260, MedGen C5393299, MONDO:0010497, OMIM 300958.

Submission:

Variantyx, Inc.
Classification: Pathogenic for Intellectual disability, X-linked 102. Last evaluated: 2025-03-27. Review status: criteria provided, single submitter. Criteria: Variantyx Assertion Criteria 2022. Collection method: clinical testing. Allele origin: de novo. Affected: yes.
Comment: This is a frameshift variant in the DDX3X gene (OMIM: 300160). Pathogenic variants in this gene have been associated with X-linked syndromic intellectual developmental disorder, Snijders Blok type. This variant introduces a premature termination codon in exon 5 out of 17. It is expected to result in loss of function, which is a known disease mechanism for DDX3X in this disorder (PMID: 26235985) (PVS1). This variant is absent from control populations (PM2_Supporting). This variant has not been reported in individuals with DDX3X-related disorders in the databases available for review. Based on the current evidence, this variant is classified as pathogenic for X-linked syndromic intellectual developmental disorder, Snijders Blok type.